The following is an entry in ClinVar:

ClinVar aggregate classification (germline): Likely benign. Review status: criteria provided, multiple submitters, no conflicts (2 of 4 stars). 2 submissions from 2 submitters: Likely benign (2). Last evaluated 2025-08-02.

Allele frequency attached by ClinVar (database versions not stated): ExAC 0.00002; gnomAD 0.00002; gnomAD exomes 0.00002.
gnomAD v4.1: 38 of 1,613,810 alleles (0.0024%); highest among the groups gnomAD compares: East Asian, 0.025%; no homozygotes.

Submissions (2):

Labcorp Genetics (formerly Invitae), Labcorp
Classification: Likely benign. Last evaluated: 2025-08-02. Review status: criteria provided, single submitter. Criteria: Invitae Variant Classification Sherloc (09022015). Collection method: clinical testing. Allele origin: germline.

CeGaT Center for Human Genetics Tuebingen
Classification: Likely benign. Last evaluated: 2023-02-01. Review status: criteria provided, single submitter. Criteria: CeGaT Center For Human Genetics Tuebingen Variant Classification Criteria Version 2. Collection method: clinical testing. Allele origin: germline. Affected: yes. Observed: 1 variant allele.
Comment: CIB2: BP4, BP7

NM_006383.4(CIB2):c.267C>T (p.Asn89=)

Gene: CIB2 (calcium and integrin binding family member 2; minus strand). Cytogenetic location: 15q25.1.
Variant type: single nucleotide variant.
Coding change: c.267C>T on transcript NM_006383.4 (MANE Select); coding-DNA position 267, C replaced by T.
Protein change: p.Asn89=; no amino-acid change (asparagine 89 retained).
Molecular consequence: synonymous variant. On other transcripts: non-coding transcript variant (1).
Genome position (GRCh38, 1-based): chr15:78,109,314, G>A on the plus strand (C>T on the coding strand, the complement: CIB2 is on the minus strand). VCF-style: chr15-78109314-G-A. GRCh37 (hg19) VCF-style: chr15-78401656-G-A.
Other names: c.138C>T, p.Asn46= (NM_001271888.2); c.120C>T, p.Asn40= (NM_001271889.2); c.282C>T, p.Asn94= (NM_001301224.2).
Identifiers: ClinVar variation 1609825 (VCV001609825.32), dbSNP rs749179814, ClinGen allele CA7680252.